The following is an entry in ClinVar:

NM_004656.4(BAP1):c.687C>A (p.Asn229Lys)

Gene: BAP1 (BRCA1 associated deubiquitinase 1; minus strand). Cytogenetic location: 3p21.1.
Variant type: single nucleotide variant.
Coding change: c.687C>A on transcript NM_004656.4 (MANE Select); coding-DNA position 687, C replaced by A.
Protein change: p.Asn229Lys; replaces asparagine 229 with lysine.
Molecular consequence: missense variant.
Genome position (GRCh38, 1-based): chr3:52,406,349, G>T on the plus strand (C>A on the coding strand, the complement: BAP1 is on the minus strand). VCF-style: chr3-52406349-G-T. GRCh37 (hg19) VCF-style: chr3-52440365-G-T.
Other names: short protein forms N229K.
Identifiers: ClinVar variation 2429331 (VCV002429331.7), dbSNP rs2153227484, ClinGen allele CA353107456.

ClinVar aggregate classification (germline): Likely pathogenic. Review status: criteria provided, multiple submitters, no conflicts (2 of 4 stars). 2 submissions from 2 submitters: Likely pathogenic (2). Last evaluated 2025-06-11.

Conditions:
Kury-Isidor syndrome (KURIS). Identifiers: MedGen C5676925, MONDO:0859230, OMIM 619762.

Submissions (2):

Undiagnosed Diseases Network, NIH
Classification: Likely pathogenic for Kury-Isidor syndrome. Last evaluated: 2025-06-11. Review status: criteria provided, single submitter. Criteria: ACMG Guidelines, 2015. Collection method: clinical testing. Allele origin: de novo. Affected: yes. Observed: 1 variant allele, 1 heterozygote. Study: Undiagnosed Diseases Network (NIH), UDN.

Center for Human Genetics and Genomic Medicine, Uniklinik Rwth Aachen
Classification: Likely pathogenic for Kury-Isidor syndrome. Last evaluated: 2023-02-09. Review status: criteria provided, single submitter. Criteria: ACMG Guidelines, 2015. Collection method: clinical testing. Allele origin: de novo. Inheritance: Autosomal dominant inheritance. Affected: yes. Observed: 1 heterozygote.
Comment: To our knowledge, the variant has not yet been described in the literature. Küry S. et al. (2022) describe 11 individuals with a similar phenotype to our patient with de novo missense variants in BAP1, which are also located d in a protein domain that encodes for a ubiquitin carboxyl-terminal hydrolase (peptidase C12) and the papain-like cysteine ​​peptidase superfamily. Functional studies of these variants show that they alter chromatin remodeling through abnormal histone ubiquitination and result in transcriptional dysregulation of developmental genes. (PMID: 35051358) These findings suggest that this could also lead to defective histone ubiquitination in the variant described here.

Literature cited by the submitters: PubMed 35051358 (cited by Center for Human Genetics and Genomic Medicine, Uniklinik Rwth Aachen).